The following is an entry in ClinVar:

ClinVar aggregate classification (germline): Uncertain significance (1 of 4 stars; one submission).

Conditions:
Pitt-Hopkins-like syndrome 2 (PTHSL2). Identifiers: Orphanet 221150, Orphanet 600663, MedGen C3280479, MONDO:0013690, OMIM 614325.

gnomAD v4.1: 19 of 1,597,092 alleles (0.0012%); highest among the groups gnomAD compares: Non-Finnish European, 0.0015%; no homozygotes.

Submission:

Labcorp Genetics (formerly Invitae), Labcorp
Classification: Uncertain significance for Pitt-Hopkins-like syndrome 2. Last evaluated: 2024-03-22. Review status: criteria provided, single submitter. Criteria: Invitae Variant Classification Sherloc (09022015). Collection method: clinical testing. Allele origin: germline.
Comment: This sequence change replaces glycine, which is neutral and non-polar, with tryptophan, which is neutral and slightly polar, at codon 213 of the NRXN1 protein (p.Gly213Trp). The frequency data for this variant in the population databases is considered unreliable, as metrics indicate poor data quality at this position in the gnomAD database. This variant has not been reported in the literature in individuals affected with NRXN1-related conditions. An algorithm developed to predict the effect of missense changes on protein structure and function (PolyPhen-2) suggests that this variant is likely to be disruptive. In summary, the available evidence is currently insufficient to determine the role of this variant in disease. Therefore, it has been classified as a Variant of Uncertain Significance.

NM_001330078.2(NRXN1):c.637G>T (p.Gly213Trp)

Gene: NRXN1 (neurexin 1; minus strand). Cytogenetic location: 2p16.3.
Variant type: single nucleotide variant.
Coding change: c.637G>T on transcript NM_001330078.2 (MANE Select); coding-DNA position 637, G replaced by T.
Protein change: p.Gly213Trp; replaces glycine 213 with tryptophan.
Molecular consequence: missense variant.
Genome position (GRCh38, 1-based): chr2:51,027,637, C>A on the plus strand (G>T on the coding strand, the complement: NRXN1 is on the minus strand). VCF-style: chr2-51027637-C-A. GRCh37 (hg19) VCF-style: chr2-51254775-C-A.
Other names: c.637G>T, p.Gly213Trp (NM_001135659.3, NM_001330077.2, NM_001330079.2 and 15 more transcripts); short protein forms G213W.
Identifiers: ClinVar variation 2917844 (VCV002917844.3), dbSNP rs199561088, ClinGen allele CA1655440.